The following is an entry in ClinVar:

NM_001161403.3(LIMS2):c.956_967del (p.Arg319_Lys322del)

Gene: LIMS2 (LIM zinc finger domain containing 2; minus strand). Cytogenetic location: 2q14.3.
Variant type: Deletion.
Coding change: c.956_967del on transcript NM_001161403.3 (MANE Select); coding-DNA positions 956 to 967, 12 bases deleted (GGCTGAAGAAGC).
Protein change: p.Arg319_Lys322del.
Genome position (GRCh38, 1-based): chr2:127,639,340-127,639,351, GCTTCTTCAGCC deleted on the plus strand (GGCTGAAGAAGC on the coding strand, the reverse complement: LIMS2 is on the minus strand); deleting any 12 consecutive bases within chr2:127,639,340-127,639,362 gives the same sequence; the c. name uses the placement nearest the transcript's 3' end. VCF-style (leftmost placement, unchanged base first): chr2-127639339-AGCTTCTTCAGCC-A. GRCh37 (hg19) VCF-style: chr2-128396914-AGCTTCTTCAGCC-A.
Other names: c.1022_1033del, p.Arg341_Lys344del (NM_001136037.4); c.941_952del, p.Arg314_Lys317del (NM_001161404.2); c.500_511del, p.Arg167_Lys170del (NM_001256542.2); c.1028_1039del, p.Arg343_Lys346del (NM_017980.5).
Identifiers: ClinVar variation 4810560 (VCV004810560.1).

ClinVar aggregate classification (germline): Uncertain significance (1 of 4 stars; one submission).

Conditions:
Autosomal recessive limb-girdle muscular dystrophy type 2W (MDRCMTT). Also called: Muscular dystrophy, limb-girdle, type 2W; Muscular dystrophy, autosomal recessive, with cardiomyopathy and triangular tongue. Identifiers: MedGen C4225192, MONDO:0014788, OMIM 616827.

Submission:

Labcorp Genetics (formerly Invitae), Labcorp
Classification: Uncertain significance for Autosomal recessive limb-girdle muscular dystrophy type 2W. Last evaluated: 2025-11-04. Review status: criteria provided, single submitter. Criteria: Invitae Variant Classification Sherloc (09022015). Collection method: clinical testing. Allele origin: germline.
Comment: This variant, c.1022_1033del, results in the deletion of 4 amino acid(s) of the LIMS2 protein (p.Arg341_Lys344del), but otherwise preserves the integrity of the reading frame. This variant is present in population databases (rs755312050, gnomAD 0.004%). This variant has not been reported in the literature in individuals affected with LIMS2-related conditions. Experimental studies and prediction algorithms are not available or were not evaluated, and the functional significance of this variant is currently unknown. In summary, the available evidence is currently insufficient to determine the role of this variant in disease. Therefore, it has been classified as a Variant of Uncertain Significance.